The following is an entry in ClinVar:

NM_001378615.1(CC2D2A):c.1301T>A (p.Leu434Ter)

Genes: CC2D2A (coiled-coil and C2 domain containing 2A; plus strand), FBXL5 (F-box and leucine rich repeat protein 5; minus strand). Cytogenetic location: 4p15.32.
Variant type: single nucleotide variant.
Coding change: c.1301T>A on transcript NM_001378615.1 (MANE Select); coding-DNA position 1301, T replaced by A.
Protein change: p.Leu434Ter; replaces leucine 434 with a stop codon.
Molecular consequence: nonsense.
Genome position (GRCh38, 1-based): chr4:15,527,598, T>A. VCF-style: chr4-15527598-T-A. GRCh37 (hg19) VCF-style: chr4-15529221-T-A.
Other names: c.1154T>A, p.Leu385Ter (NM_001378617.1); c.1301T>A, p.Leu434Ter (NM_001080522.2); short protein forms L385*, L434*.
Identifiers: ClinVar variation 5014650 (VCV005014650.1).

ClinVar aggregate classification (germline): Pathogenic (1 of 4 stars; one submission).

Conditions:
Joubert syndrome and related disorders. Identifiers: Orphanet 140874, MedGen C5679612, MONDO:0015369.

Submission:

Myriad Genetics, Inc.
Classification: Pathogenic for Joubert syndrome and related disorders. Last evaluated: 2025-06-27. Review status: criteria provided, single submitter. Criteria: Myriad Autosomal Dominant, Autosomal Recessive and X-Linked Classification Criteria (2023). Collection method: clinical testing. Allele origin: unknown.
Comment: NM_001080522.2(CC2D2A):c.1301T>A(L434*) is expected to be pathogenic in the context of CC2D2A-related disorders. This variant is predicted to lead to an abnormal or absent protein product due to the creation of a premature termination codon in CC2D2A, a gene where loss-of-function variants are known to be pathogenic. Please note: this variant was assessed in the context of healthy population screening.